The following is an entry in ClinVar:

ClinVar aggregate classification (germline): Uncertain significance. Review status: criteria provided, multiple submitters, no conflicts (2 of 4 stars). 2 submissions from 2 submitters: Uncertain significance (2). Last evaluated 2026-05-08.

Conditions:
TMEM43-related disorder. Also called: TMEM43-related condition.
Arrhythmogenic right ventricular dysplasia 5. Also called: Arrhythmogenic Right Ventricular Dysplasia/Cardiomyopathy 5; ARRHYTHMOGENIC RIGHT VENTRICULAR DYSPLASIA, FAMILIAL, 5. Identifiers: MedGen C1858379, MONDO:0011459, OMIM 604400.

Allele frequency attached by ClinVar (database versions not stated): gnomAD exomes below 0.00001; TOPMed 0.00002.
gnomAD v4.1: 2 of 1,614,012 alleles (0.00012%); highest among the groups gnomAD compares: African/African-American, 0.0013%; no homozygotes.

Submissions (2):

PreventionGenetics, part of Exact Sciences
Classification: Uncertain significance for TMEM43-related condition. Last evaluated: 2026-05-08. Review status: criteria provided, single submitter. Criteria: ACMG Guidelines, 2015. Collection method: clinical testing. Allele origin: germline.
Comment: The TMEM43 c.1165G>T variant is predicted to result in the amino acid substitution p.Val389Phe. This variant has been reported as a variant of uncertain significance in an individual with dilated cardiomyopathy (Table S2, Horgan et al. 2025. PubMed ID: 39694818). This variant is reported in 0.0046% of alleles in individuals of European (Finnish) descent in gnomAD. At this time, the clinical significance of this variant is uncertain due to the absence of conclusive functional and genetic evidence.

Labcorp Genetics (formerly Invitae), Labcorp
Classification: Uncertain significance for Arrhythmogenic right ventricular dysplasia 5. Last evaluated: 2024-01-28. Review status: criteria provided, single submitter. Criteria: Invitae Variant Classification Sherloc (09022015). Collection method: clinical testing. Allele origin: germline.
Comment: This sequence change replaces valine, which is neutral and non-polar, with phenylalanine, which is neutral and non-polar, at codon 389 of the TMEM43 protein (p.Val389Phe). The frequency data for this variant in the population databases is considered unreliable, as metrics indicate poor data quality at this position in the gnomAD database. This variant has not been reported in the literature in individuals affected with TMEM43-related conditions. ClinVar contains an entry for this variant (Variation ID: 1019663). Advanced modeling of protein sequence and biophysical properties (such as structural, functional, and spatial information, amino acid conservation, physicochemical variation, residue mobility, and thermodynamic stability) performed at Invitae indicates that this missense variant is not expected to disrupt TMEM43 protein function with a negative predictive value of 80%. In summary, the available evidence is currently insufficient to determine the role of this variant in disease. Therefore, it has been classified as a Variant of Uncertain Significance.

NM_024334.3(TMEM43):c.1165G>T (p.Val389Phe)

Gene: TMEM43 (transmembrane protein 43; plus strand). Cytogenetic location: 3p25.1.
Variant type: single nucleotide variant.
Coding change: c.1165G>T on transcript NM_024334.3 (MANE Select); coding-DNA position 1165, G replaced by T.
Protein change: p.Val389Phe; replaces valine 389 with phenylalanine.
Molecular consequence: missense variant.
Genome position (GRCh38, 1-based): chr3:14,141,757, G>T. VCF-style: chr3-14141757-G-T. GRCh37 (hg19) VCF-style: chr3-14183257-G-T.
Other names: c.1165G>T (NM_024334.2); short protein forms V389F.
Identifiers: ClinVar variation 1019663 (VCV001019663.9), dbSNP rs1308027129, ClinGen allele CA351536657.
Genomic context (GRCh38, chr3:14,141,757, plus strand): 5'-CTCTTCTACCGACCCCTGTGGGCCCTCCTCATTGCCGGCCTGGCCCTTGTGCCCATCCTT[G>T]TTGCTCGGACACGGGTGCCAGCCAAAAAGTTGGAGTGAAAAGACCCTGGCACCCGCCCGA-3'
Protein context (NP_077310.1, residues 379-399): IAGLALVPIL[Val389Phe]ARTRVPAKKL